The following is an entry in ClinVar:

ClinVar aggregate classification (germline): Uncertain significance (1 of 4 stars; one submission).

Conditions:
Epidermolysis bullosa simplex 5B, with muscular dystrophy (EBS5B). Also called: EPIDERMOLYSIS BULLOSA SIMPLEX AND LIMB-GIRDLE MUSCULAR DYSTROPHY; Epidermolysis bullosa simplex with muscular dystrophy. Identifiers: Orphanet 257, MedGen C2931072, MONDO:0009181, OMIM 226670.
Epidermolysis bullosa simplex 5C, with pyloric atresia (EBS5C). Also called: Epidermolysis bullosa simplex with pyloric atresia; PLEC-Related Epidermolysis Bullosa with Pyloric Atresia; PLEC1-Related Epidermolysis Bullosa with Pyloric Atresia. Identifiers: Orphanet 158684, MedGen C2677349, MONDO:0012807, OMIM 612138.
Epidermolysis bullosa simplex with nail dystrophy (EBS5D). Identifiers: MedGen C4225309, MONDO:0014661, OMIM 616487.
Autosomal recessive limb-girdle muscular dystrophy type 2Q (LGMDR17). Also called: MUSCULAR DYSTROPHY, LIMB-GIRDLE, AUTOSOMAL RECESSIVE 17. Identifiers: Orphanet 254361, MedGen C3150989, MONDO:0013390, OMIM 613723.
Epidermolysis bullosa simplex, Ogna type (EBS5A). Also called: Pidermolysis bullosa simplex 5A, Ogna type; EPIDERMOLYSIS BULLOSA SIMPLEX 5A, OGNA TYPE. Identifiers: Orphanet 79401, MedGen C0432317, MONDO:0007555, OMIM 131950.

Allele frequency attached by ClinVar (database versions not stated): gnomAD exomes below 0.00001; TOPMed below 0.00001.

Submission:

Labcorp Genetics (formerly Invitae), Labcorp
Classification: Uncertain significance for Autosomal recessive limb-girdle muscular dystrophy type 2Q; Epidermolysis bullosa simplex, Ogna type; Epidermolysis bullosa simplex with nail dystrophy; Epidermolysis bullosa simplex 5C, with pyloric atresia; Epidermolysis bullosa simplex 5B, with muscular dystrophy. Last evaluated: 2022-08-28. Review status: criteria provided, single submitter. Criteria: Invitae Variant Classification Sherloc (09022015). Collection method: clinical testing. Allele origin: germline.
Comment: This variant is not present in population databases (gnomAD no frequency). This variant has not been reported in the literature in individuals affected with PLEC-related conditions. Algorithms developed to predict the effect of missense changes on protein structure and function are either unavailable or do not agree on the potential impact of this missense change (SIFT: "Deleterious"; PolyPhen-2: "Not Available"; Align-GVGD: "Class C0"). In summary, the available evidence is currently insufficient to determine the role of this variant in disease. Therefore, it has been classified as a Variant of Uncertain Significance. This sequence change replaces serine, which is neutral and polar, with leucine, which is neutral and non-polar, at codon 195 of the PLEC protein (p.Ser195Leu).

NM_201384.3(PLEC):c.503C>T (p.Ser168Leu)

Gene: PLEC (plectin; minus strand). Cytogenetic location: 8q24.3.
Variant type: single nucleotide variant.
Coding change: c.503C>T on transcript NM_201384.3 (MANE Select); coding-DNA position 503, C replaced by T.
Protein change: p.Ser168Leu; replaces serine 168 with leucine.
Molecular consequence: missense variant.
Genome position (GRCh38, 1-based): chr8:143,935,947, G>A on the plus strand (C>T on the coding strand, the complement: PLEC is on the minus strand). VCF-style: chr8-143935947-G-A. GRCh37 (hg19) VCF-style: chr8-145010115-G-A.
Other names: c.584C>T, p.Ser195Leu (NM_000445.5, NM_001410941.1); c.461C>T, p.Ser154Leu (NM_201378.4); c.437C>T, p.Ser146Leu (NM_201379.3); c.914C>T, p.Ser305Leu (NM_201380.4); c.407C>T, p.Ser136Leu (NM_201381.3); c.503C>T, p.Ser168Leu (NM_201382.4); c.515C>T, p.Ser172Leu (NM_201383.3); short protein forms S146L, S136L, S305L, S168L, S172L, S195L, S154L.
Identifiers: ClinVar variation 2069063 (VCV002069063.4), dbSNP rs764319161, ClinGen allele CA187624179.